The following is an entry in ClinVar:

NM_001927.4(DES):c.243C>T (p.Ser81=)

Gene: DES (desmin; plus strand). Cytogenetic location: 2q35.
Variant type: single nucleotide variant.
Coding change: c.243C>T on transcript NM_001927.4 (MANE Select); coding-DNA position 243, C replaced by T.
Protein change: p.Ser81=; no amino-acid change (serine 81 retained).
Molecular consequence: synonymous variant.
Genome position (GRCh38, 1-based): chr2:219,418,705, C>T. VCF-style: chr2-219418705-C-T. GRCh37 (hg19) VCF-style: chr2-220283427-C-T.
Identifiers: ClinVar variation 179286 (VCV000179286.33), dbSNP rs201594392, ClinGen allele CA184122.

ClinVar aggregate classification (germline): Benign/Likely benign. Review status: criteria provided, multiple submitters, no conflicts (2 of 4 stars). 10 submissions from 10 submitters: Benign (2); Likely benign (8). Last evaluated 2026-08-01.

Conditions:
Cardiovascular phenotype. Identifiers: MedGen CN230736.
DES-related disorder. Also called: DES-related condition.
Desmin-related myofibrillar myopathy (MFM1). Also called: Desmin related myopathy (former name); Desmin storage myopathy (former name); Desminopathy; MYOFIBRILLAR MYOPATHY WITH ARRHYTHMOGENIC RIGHT VENTRICULAR CARDIOMYOPATHY; DESMIN-RELATED MYOPATHY WITH ARRHYTHMOGENIC RIGHT VENTRICULAR CARDIOMYOPATHY; Myofibrillar myopathy 1. Identifiers: Orphanet 363543, Orphanet 98909, MedGen C1832370, MONDO:0011076, OMIM 601419.
Cardiomyopathy (CMYO). Also called: Cardiomyopathies. Identifiers: Orphanet 167848, MedGen C0878544, MONDO:0004994, HP:0001638. Inheritance: Various modes of inheritance.

Allele frequency attached by ClinVar (database versions not stated): gnomAD 0.00014 and 0.00015; 1000 Genomes Project 0.00020; 1000 Genomes Project 30x 0.00031; TOPMed 0.00037.
gnomAD v4.1: 191 of 1,567,256 alleles (0.012%); highest among the groups gnomAD compares: Admixed American, 0.35%; no homozygotes.

Submissions (10):

CeGaT Center for Human Genetics Tuebingen
Classification: Likely benign. Last evaluated: 2026-08-01. Review status: criteria provided, single submitter. Criteria: CeGaT Center For Human Genetics Tuebingen Variant Classification Criteria Version 2. Collection method: clinical testing. Allele origin: germline. Affected: yes. Observed: 8 variant alleles.
Comment: DES: BP4, BP7

PreventionGenetics, part of Exact Sciences
Classification: Likely benign for DES-related condition. Last evaluated: 2026-04-21. Review status: criteria provided, single submitter. Criteria: ACMG Guidelines, 2015. Collection method: clinical testing. Allele origin: germline.
Comment: This variant is classified as likely benign based on ACMG/AMP sequence variant interpretation guidelines (Richards et al. 2015 PMID: 25741868, with internal and published modifications).

Labcorp Genetics (formerly Invitae), Labcorp
Classification: Likely benign for Desmin-related myofibrillar myopathy. Last evaluated: 2026-01-27. Review status: criteria provided, single submitter. Criteria: Invitae Variant Classification Sherloc (09022015). Collection method: clinical testing. Allele origin: germline.

Women's Health and Genetics/Laboratory Corporation of America, LabCorp
Classification: Likely benign. Last evaluated: 2024-12-20. Review status: criteria provided, single submitter. Criteria: LabCorp Variant Classification Summary - May 2015. Collection method: clinical testing. Allele origin: germline.

CHEO Genetics Diagnostic Laboratory, Children's Hospital of Eastern Ontario
Classification: Benign for Cardiomyopathy. Last evaluated: 2023-01-31. Review status: criteria provided, single submitter. Criteria: ACMG Guidelines, 2015. Collection method: clinical testing. Allele origin: germline.

GeneDx
Classification: Likely benign. Last evaluated: 2021-02-02. Review status: criteria provided, single submitter. Criteria: GeneDx Variant Classification Process June 2021. Collection method: clinical testing. Allele origin: germline. Affected: yes.

Athena Diagnostics
Classification: Likely benign. Last evaluated: 2017-06-26. Review status: criteria provided, single submitter. Criteria: Athena Diagnostics Criteria. Collection method: clinical testing. Allele origin: germline.

Ambry Genetics
Classification: Benign for Cardiovascular phenotype. Last evaluated: 2016-12-14. Review status: criteria provided, single submitter. Criteria: Ambry Variant Classification Scheme 2023. Collection method: clinical testing. Allele origin: germline.

Eurofins Ntd Llc (ga)
Classification: Likely benign. Last evaluated: 2016-08-11. Review status: criteria provided, single submitter. Criteria: EGL Classification Definitions 2015. Collection method: clinical testing. Allele origin: germline. Observed: 3 variant alleles, 3 heterozygotes.

Laboratory for Molecular Medicine, Mass General Brigham Personalized Medicine
Classification: Likely benign. Last evaluated: 2013-11-12. Review status: criteria provided, single submitter. Criteria: LMM Criteria. Collection method: clinical testing. Allele origin: germline. Observed: 1 variant allele.
Comment: Ser81Ser in exon 1 of DES: This variant is not expected to have clinical signifi cance because it does not alter an amino acid residue and is not located within the splice consensus sequence. ** Ser81Ser in exon 1 of DES (allele frequency = n/a)